The following is an entry in ClinVar:

ClinVar aggregate classification (germline): Uncertain significance. Review status: criteria provided, multiple submitters, no conflicts (2 of 4 stars). 2 submissions from 2 submitters: Uncertain significance (2). Last evaluated 2022-03-18.

Conditions:
Hermansky-Pudlak syndrome 2 (HPS2). Also called: Platelet defects and oculocutaneous albinism. Identifiers: Orphanet 183678, Orphanet 79430, MedGen C1842362, MONDO:0011997, OMIM 608233.

Allele frequency attached by ClinVar (database versions not stated): gnomAD exomes 0.00002 and 0.00003; ExAC 0.00003; gnomAD 0.00003 and 0.00005; TOPMed 0.00005; 1000 Genomes Project 30x 0.00016; 1000 Genomes Project 0.00020.
gnomAD v4.1: 37 of 1,612,262 alleles (0.0023%); highest among the groups gnomAD compares: East Asian, 0.067%; no homozygotes.

Submissions (2):

Fulgent Genetics
Classification: Uncertain significance for Hermansky-Pudlak syndrome 2. Last evaluated: 2022-03-18. Review status: criteria provided, single submitter. Criteria: ACMG Guidelines, 2015. Collection method: clinical testing. Allele origin: unknown.

Illumina Laboratory Services, Illumina
Classification: Uncertain significance for Hermansky-Pudlak syndrome 2. Last evaluated: 2017-04-27. Review status: criteria provided, single submitter. Criteria: ICSL Variant Classification Criteria 13 December 2019. Collection method: clinical testing. Allele origin: germline.
Comment: This variant was observed as part of a predisposition screen in an ostensibly healthy population. A literature search was performed for the gene, cDNA change, and amino acid change (where applicable). Publications were found based on this search. However, the evidence from the literature, in combination with allele frequency data from public databases where available, was not sufficient to rule this variant in or out of causing disease. Therefore, this variant is classified as a variant of unknown significance.

Literature cited by the submitters: PubMed 25980904 (cited by Illumina Laboratory Services, Illumina).

NM_003664.5(AP3B1):c.1075A>G (p.Thr359Ala)

Gene: AP3B1 (adaptor related protein complex 3 subunit beta 1; minus strand). Cytogenetic location: 5q14.1.
Variant type: single nucleotide variant.
Coding change: c.1075A>G on transcript NM_003664.5 (MANE Select); coding-DNA position 1075, A replaced by G.
Protein change: p.Thr359Ala; replaces threonine 359 with alanine.
Molecular consequence: missense variant.
Genome position (GRCh38, 1-based): chr5:78,175,804, T>C on the plus strand (A>G on the coding strand, the complement: AP3B1 is on the minus strand). VCF-style: chr5-78175804-T-C. GRCh37 (hg19) VCF-style: chr5-77471628-T-C.
Other names: c.928A>G, p.Thr310Ala (NM_001271769.2); short protein forms T359A, T310A.
Identifiers: ClinVar variation 906557 (VCV000906557.5), dbSNP rs148160411, ClinGen allele CA3317207.